The following is an entry in ClinVar:

ClinVar aggregate classification (germline): Uncertain significance (1 of 4 stars; one submission).

Conditions:
Werner syndrome (WRN). Identifiers: Orphanet 902, MedGen C0043119, MONDO:0010196, OMIM 277700.

Submission:

Labcorp Genetics (formerly Invitae), Labcorp
Classification: Uncertain significance for Werner syndrome. Last evaluated: 2022-01-28. Review status: criteria provided, single submitter. Criteria: Invitae Variant Classification Sherloc (09022015). Collection method: clinical testing. Allele origin: germline.
Comment: In summary, the available evidence is currently insufficient to determine the role of this variant in disease. Therefore, it has been classified as a Variant of Uncertain Significance. Algorithms developed to predict the effect of missense changes on protein structure and function are either unavailable or do not agree on the potential impact of this missense change (SIFT: "Not Available"; PolyPhen-2: "Benign"; Align-GVGD: "Not Available"). ClinVar contains an entry for this variant (Variation ID: 1006554). This variant has not been reported in the literature in individuals affected with WRN-related conditions. This variant is not present in population databases (gnomAD no frequency). This sequence change replaces cysteine, which is neutral and slightly polar, with serine, which is neutral and polar, at codon 15 of the WRN protein (p.Cys15Ser).

NM_000553.6(WRN):c.43T>A (p.Cys15Ser)

Gene: WRN (WRN RecQ like helicase; plus strand). Cytogenetic location: 8p12.
Variant type: single nucleotide variant.
Coding change: c.43T>A on transcript NM_000553.6 (MANE Select); coding-DNA position 43, T replaced by A.
Protein change: p.Cys15Ser; replaces cysteine 15 with serine.
Molecular consequence: missense variant.
Genome position (GRCh38, 1-based): chr8:31,058,490, T>A. VCF-style: chr8-31058490-T-A. GRCh37 (hg19) VCF-style: chr8-30916006-T-A.
Other names: short protein forms C15S.
Identifiers: ClinVar variation 1006554 (VCV001006554.5), dbSNP rs1812360431, ClinGen allele CA370912117.